The following is an entry in ClinVar:

ClinVar aggregate classification (germline): Pathogenic (1 of 4 stars; one submission).

Conditions:
Pallister-Hall syndrome (PHS). Also called: HYPOTHALAMIC HAMARTOBLASTOMA, HYPOPITUITARISM, IMPERFORATE ANUS, AND POSTAXIAL POLYDACTYLY; GLI3-Related Pallister-Hall Syndrome. Identifiers: Orphanet 672, MedGen C0265220, MONDO:0007804, OMIM 146510.
Greig cephalopolysyndactyly syndrome (GCPS). Also called: POLYSYNDACTYLY WITH PECULIAR SKULL SHAPE; GLI3-Related Greig Cephalopolysyndactyly Syndrome; Greig syndrome. Identifiers: Orphanet 380, MedGen C0265306, MONDO:0008287, OMIM 175700.

Submission:

Labcorp Genetics (formerly Invitae), Labcorp
Classification: Pathogenic for Pallister-Hall syndrome; Greig cephalopolysyndactyly syndrome. Last evaluated: 2020-05-04. Review status: criteria provided, single submitter. Criteria: Invitae Variant Classification Sherloc (09022015). Collection method: clinical testing. Allele origin: germline.
Comment: This variant has not been reported in the literature in individuals with GLI3-related conditions. This variant is a gross deletion of the genomic region encompassing exon(s) 2-3 of the GLI3 gene, which includes the initiator codon. The 5' end of this event is unknown as it extends beyond the assayed region for this gene and therefore may encompass additional genes. The 3' boundary is likely confined to intron 3 of the GLI3 gene. This is expected to result in an absent or disrupted protein product. Loss-of-function variants in GLI3 are known to be pathogenic (PMID: 10441570, 15739154, 18000979, 24736735). For these reasons, this variant has been classified as Pathogenic.

Literature cited by the submitters: PubMed 10441570; PubMed 15739154; PubMed 18000979; PubMed 24736735.

NC_000007.13:g.(?_42187805)_(42262872_?)del

Gene: GLI3 (GLI family zinc finger 3; minus strand). Cytogenetic location: 7p14.1.
Variant type: Deletion.
Identifiers: ClinVar variation 1070264 (VCV001070264.5).